The following is an entry in ClinVar:

NM_000051.4(ATM):c.6765T>C (p.Leu2255=)

Genes: ATM (ATM serine/threonine kinase; plus strand), C11orf65 (chromosome 11 open reading frame 65; minus strand). Cytogenetic location: 11q22.3.
Variant type: single nucleotide variant.
Coding change: c.6765T>C on transcript NM_000051.4 (MANE Select); coding-DNA position 6765, T replaced by C.
Protein change: p.Leu2255=; no amino-acid change (leucine 2255 retained).
Molecular consequence: synonymous variant. On other transcripts: intron variant (2).
Genome position (GRCh38, 1-based): chr11:108,325,502, T>C. VCF-style: chr11-108325502-T-C. GRCh37 (hg19) VCF-style: chr11-108196229-T-C.
Other names: c.6765T>C, p.Leu2255= (NM_001351834.2); c.641-16431A>G (NM_001330368.2); c.*38+9718A>G (NM_001351110.2).
Identifiers: ClinVar variation 135773 (VCV000135773.20), dbSNP rs587780637, ClinGen allele CA332351.

ClinVar aggregate classification (germline): Benign/Likely benign. Review status: criteria provided, multiple submitters, no conflicts (2 of 4 stars). 5 submissions from 5 submitters: Benign (1); Likely benign (4). Last evaluated 2025-11-25.

Conditions:
Hereditary cancer-predisposing syndrome. Also called: Neoplastic Syndromes, Hereditary; Hereditary Cancer Syndrome; Tumor predisposition; Hereditary neoplastic syndrome. Identifiers: Orphanet 140162, MedGen C0027672, MeSH D009386, MONDO:0015356.
Familial cancer of breast. Also called: BREAST CANCER, FAMILIAL; hereditary breast carcinoma; Hereditary breast cancer. Identifiers: Orphanet 227535, MedGen C0346153, MONDO:0016419, OMIM 114480. Disease mechanism: loss of function.
Ataxia-telangiectasia syndrome (AT). Also called: Ataxia-telangiectasia, complementation group D; AT, COMPLEMENTATION GROUP C; Ataxia-telangiectasia; ATAXIA-TELANGIECTASIA, COMPLEMENTATION GROUP A; ATAXIA-TELANGIECTASIA, FRESNO VARIANT; Ataxia-telangiectasia, complementation group E. Identifiers: Orphanet 100, MedGen C0004135, MONDO:0008840, OMIM 208900.

Allele frequency attached by ClinVar (database versions not stated): ExAC 0.00002; gnomAD exomes below 0.00001.

Submissions (5):

Labcorp Genetics (formerly Invitae), Labcorp
Classification: Likely benign for Ataxia-telangiectasia syndrome. Last evaluated: 2025-11-25. Review status: criteria provided, single submitter. Criteria: Invitae Variant Classification Sherloc (09022015). Collection method: clinical testing. Allele origin: germline.

Myriad Genetics, Inc.
Classification: Benign for Familial cancer of breast. Last evaluated: 2024-06-10. Review status: criteria provided, single submitter. Criteria: Myriad Autosomal Dominant, Autosomal Recessive and X-Linked Classification Criteria (2023). Collection method: clinical testing. Allele origin: unknown.
Comment: This variant is considered benign. This variant is a silent/synonymous amino acid change and it is not expected to impact splicing.

Blueprint Genetics
Classification: Likely benign. Last evaluated: 2022-07-17. Review status: criteria provided, single submitter. Criteria: ACMG Guidelines, 2015. Collection method: clinical testing. Allele origin: germline.

Color Diagnostics, LLC DBA Color Health
Classification: Likely benign for Hereditary cancer-predisposing syndrome. Last evaluated: 2017-10-20. Review status: criteria provided, single submitter. Criteria: ACMG Guidelines, 2015. Collection method: clinical testing. Allele origin: germline.

Ambry Genetics
Classification: Likely benign for Hereditary cancer-predisposing syndrome. Last evaluated: 2015-02-24. Review status: criteria provided, single submitter. Criteria: Ambry Variant Classification Scheme 2023. Collection method: clinical testing. Allele origin: germline.